The following is an entry in ClinVar:

NM_001814.6(CTSC):c.53G>A (p.Gly18Asp)

Genes: CTSC (cathepsin C; minus strand), LOC130006572 (ATAC-STARR-seq lymphoblastoid active region 5382; plus strand). Cytogenetic location: 11q14.2.
Variant type: single nucleotide variant.
Coding change: c.53G>A on transcript NM_001814.6 (MANE Select); coding-DNA position 53, G replaced by A.
Protein change: p.Gly18Asp; replaces glycine 18 with aspartic acid.
Molecular consequence: missense variant.
Genome position (GRCh38, 1-based): chr11:88,337,620, C>T on the plus strand (G>A on the coding strand, the complement: CTSC is on the minus strand). VCF-style: chr11-88337620-C-T. GRCh37 (hg19) VCF-style: chr11-88070788-C-T.
Other names: c.53G>A, p.Gly18Asp (NM_001114173.3, NM_148170.5); short protein forms G18D.
Identifiers: ClinVar variation 1353074 (VCV001353074.3), dbSNP rs1938540579, ClinGen allele CA382030889.

ClinVar aggregate classification (germline): Uncertain significance (1 of 4 stars; one submission).

Conditions:
Papillon-Lefèvre syndrome (PALS). Also called: KERATOSIS PALMOPLANTARIS WITH PERIODONTOPATHIA; Papillon-Lefevre Disease. Identifiers: Orphanet 678, MedGen C0030360, MONDO:0009490, OMIM 245000.
Periodontitis, aggressive. Identifiers: MedGen C0031106, MONDO:0980757.
Haim-Munk syndrome (HMS). Also called: COCHIN JEWISH DISORDER; KERATOSIS PALMOPLANTARIS WITH PERIODONTOPATHIA AND ONYCHOGRYPOSIS. Identifiers: Orphanet 2342, MedGen C1855627, MONDO:0009491, OMIM 245010.

Allele frequency attached by ClinVar (database versions not stated): TOPMed below 0.00001.
gnomAD v4.1: 1 of 1,582,996 alleles (0.000063%); highest among the groups gnomAD compares: African/African-American, 0.0013%; no homozygotes.

Submission:

Labcorp Genetics (formerly Invitae), Labcorp
Classification: Uncertain significance for Haim-Munk syndrome; Periodontitis, aggressive; Papillon-Lefèvre syndrome. Last evaluated: 2022-08-19. Review status: criteria provided, single submitter. Criteria: Invitae Variant Classification Sherloc (09022015). Collection method: clinical testing. Allele origin: germline.
Comment: This sequence change replaces glycine with aspartic acid at codon 18 of the CTSC protein (p.Gly18Asp). The glycine residue is moderately conserved and there is a moderate physicochemical difference between glycine and aspartic acid. This variant is not present in population databases (gnomAD no frequency). This variant has not been reported in the literature in individuals affected with CTSC-related conditions. ClinVar contains an entry for this variant (Variation ID: 1353074). Algorithms developed to predict the effect of missense changes on protein structure and function are either unavailable or do not agree on the potential impact of this missense change (SIFT: "Not Available"; PolyPhen-2: "Possibly Damaging"; Align-GVGD: "Not Available"). In summary, the available evidence is currently insufficient to determine the role of this variant in disease. Therefore, it has been classified as a Variant of Uncertain Significance.